The following is an entry in ClinVar:

NM_021625.5(TRPV4):c.*378G>C

Gene: TRPV4 (transient receptor potential cation channel subfamily V member 4; minus strand). Cytogenetic location: 12q24.11.
Variant type: single nucleotide variant.
Coding change: c.*378G>C on transcript NM_021625.5 (MANE Select); 378 bases downstream of the stop codon, G replaced by C.
Molecular consequence: 3 prime UTR variant.
Genome position (GRCh38, 1-based): chr12:109,783,243, C>G on the plus strand (G>C on the coding strand, the complement: TRPV4 is on the minus strand). VCF-style: chr12-109783243-C-G. GRCh37 (hg19) VCF-style: chr12-110221048-C-G.
Other names: c.*378G>C (NM_001177428.2, NM_001177431.2, NM_001177433.2 and 1 more transcripts).
Identifiers: ClinVar variation 307115 (VCV000307115.5), dbSNP rs538255561, ClinGen allele CA10640138.
Genomic context (GRCh38, chr12:109,783,243, plus strand): 5'-CTTGCAAAGCTGCCACGCTGCCAAAAATGGTGGCGCATGCAGCTCAGGCGCAGGCTGAGG[C>G]TGGGGCTTGGCCGGGCAGTGCACTTGGAACGGGGTCCTAAGGCCTCTGCCAGGTTCCAGC-3'

ClinVar aggregate classification (germline): Benign. Review status: criteria provided, single submitter (1 of 4 stars). 6 submissions from 1 submitter: Benign (6). Last evaluated 2018-01-13.

Conditions:
Scapuloperoneal spinal muscular atrophy (SPSMA). Also called: Scapuloperoneal Spinal Muscular Atrophy, TRPV4-Related; AMYOTROPHY, NEUROGENIC SCAPULOPERONEAL, NEW ENGLAND TYPE; Scapuloperoneal Form of Spinal Muscular Atrophy; Scapuloperoneal spinal muscular atrophy, autosomal dominant. Identifiers: Orphanet 431255, MedGen C0751335, MONDO:0008408, OMIM 181405.
Charcot-Marie-Tooth disease axonal type 2C (HMSN2C). Also called: Charcot-Marie-Tooth Disease Type 2, TRPV4-Related (CMT2C); CHARCOT-MARIE-TOOTH DISEASE, AXONAL, AUTOSOMAL DOMINANT, TYPE 2C; Charcot-Marie-Tooth Neuropathy Type 2C. Identifiers: Orphanet 99937, MedGen C1853710, MONDO:0011633, OMIM 606071.
Neuronopathy, distal hereditary motor, autosomal dominant 8. Also called: Autosomal dominant congenital benign spinal muscular atrophy; SPINAL MUSCULAR ATROPHY, CONGENITAL BENIGN, WITH CONTRACTURES; NEURONOPATHY, DISTAL HEREDITARY MOTOR, TYPE VIII; NEUROPATHY, DISTAL HEREDITARY MOTOR, TYPE VIII. Identifiers: Orphanet 1216, MedGen C1838492, MONDO:0010839, OMIM 600175.
Spondylometaphyseal dysplasia, Kozlowski type (SMDK). Also called: Dysmorphism arthrogryposis skeletal maturation advanced; Jequier-Kozlowski syndrome; Skeletal dysplasia Jequier-Kozlowski type; SMD Kozlowski type; Spondylometaphyseal Dysplasia, TRPV4-Related (Kozlowski Type). Identifiers: Orphanet 93314, MedGen C0265280, MONDO:0008477, OMIM 184252.
Brachyrachia (short spine dysplasia) (BCYM3). Also called: BRACHYRACHIA; Autosomal dominant brachyolmia; Brachyolmia, TRPV4-Related; Brachyolmia Type 3. Identifiers: Orphanet 93304, MedGen C0432227, MONDO:0007232, OMIM 113500.
Metatropic dysplasia (MTD). Also called: Metatropic Dysplasia, TRPV4-Related; METATROPIC DWARFISM; Metatropic dysplasia, nonlethal dominant. Identifiers: Orphanet 2635, MedGen C0265281, MONDO:0007986, OMIM 156530.

Allele frequency attached by ClinVar (database versions not stated): gnomAD exomes 0.00037; 1000 Genomes Project 0.00200; 1000 Genomes Project 30x 0.00250; gnomAD 0.00276 and 0.00305; TOPMed 0.00324.
gnomAD v4.1: 443 of 224,274 alleles (0.2%); highest among the groups gnomAD compares: African/African-American, 0.96%; 3 homozygotes.

Submissions (6):

Illumina Laboratory Services, Illumina
Classification: Benign for Spondylometaphyseal dysplasia, Kozlowski type. Last evaluated: 2018-01-13. Review status: criteria provided, single submitter. Criteria: ICSL Variant Classification Criteria 13 December 2019. Collection method: clinical testing. Allele origin: germline.
Comment: This variant was observed in the ICSL laboratory as part of a predisposition screen in an ostensibly healthy population. It had not been previously curated by ICSL or reported in the Human Gene Mutation Database (HGMD: prior to June 1st, 2018), and was therefore a candidate for classification through an automated scoring system. Utilizing variant allele frequency, disease prevalence and penetrance estimates, and inheritance mode, an automated score was calculated to assess if this variant is too frequent to cause the disease. Based on the score and internal cut-off values, a variant classified as benign is not then subjected to further curation. The score for this variant resulted in a classification of benign for this disease.

Illumina Laboratory Services, Illumina
Classification: Benign for Metatropic dysplasia. Last evaluated: 2018-01-13. Review status: criteria provided, single submitter. Criteria: ICSL Variant Classification Criteria 13 December 2019. Collection method: clinical testing. Allele origin: germline.
Comment: the same text as in the submission from Illumina Laboratory Services, Illumina above.

Illumina Laboratory Services, Illumina
Classification: Benign for Brachyrachia (short spine dysplasia). Last evaluated: 2018-01-13. Review status: criteria provided, single submitter. Criteria: ICSL Variant Classification Criteria 13 December 2019. Collection method: clinical testing. Allele origin: germline.
Comment: the same text as in the submission from Illumina Laboratory Services, Illumina above.

Illumina Laboratory Services, Illumina
Classification: Benign for Scapuloperoneal spinal muscular atrophy. Last evaluated: 2018-01-13. Review status: criteria provided, single submitter. Criteria: ICSL Variant Classification Criteria 13 December 2019. Collection method: clinical testing. Allele origin: germline.
Comment: the same text as in the submission from Illumina Laboratory Services, Illumina above.

Illumina Laboratory Services, Illumina
Classification: Benign for Neuronopathy, distal hereditary motor, autosomal dominant 8. Last evaluated: 2018-01-13. Review status: criteria provided, single submitter. Criteria: ICSL Variant Classification Criteria 13 December 2019. Collection method: clinical testing. Allele origin: germline.
Comment: the same text as in the submission from Illumina Laboratory Services, Illumina above.

Illumina Laboratory Services, Illumina
Classification: Benign for Charcot-Marie-Tooth disease axonal type 2C. Last evaluated: 2018-01-13. Review status: criteria provided, single submitter. Criteria: ICSL Variant Classification Criteria 13 December 2019. Collection method: clinical testing. Allele origin: germline.
Comment: the same text as in the submission from Illumina Laboratory Services, Illumina above.